The following is an entry in ClinVar:

NM_020765.3(UBR4):c.5766C>T (p.Thr1922=)

Genes: UBR4 (ubiquitin protein ligase E3 component n-recognin 4; minus strand), LOC126805643 (CDK7 strongly-dependent group 2 enhancer GRCh37_chr1:19482517-19483716; plus strand). Cytogenetic location: 1p36.13.
Variant type: single nucleotide variant.
Coding change: c.5766C>T on transcript NM_020765.3 (MANE Select); coding-DNA position 5766, C replaced by T.
Protein change: p.Thr1922=; no amino-acid change (threonine 1922 retained).
Molecular consequence: synonymous variant.
Genome position (GRCh38, 1-based): chr1:19,156,920, G>A on the plus strand (C>T on the coding strand, the complement: UBR4 is on the minus strand). VCF-style: chr1-19156920-G-A. GRCh37 (hg19) VCF-style: chr1-19483414-G-A.
Identifiers: ClinVar variation 798895 (VCV000798895.6), dbSNP rs758496804, ClinGen allele CA650472.
Genomic context (GRCh38, chr1:19,156,920, plus strand): 5'-CAGAGTTAACTTCCTTTTGCTGGAATCTGCTTGCTTCAGGAGTGCAGAGAGCTGCAGAAC[G>A]GTGATCTGCAAAGGAACAATGACTAATTTATTCCTACTCCTGGTCCTCTCAGAGAAGTCA-3'
Protein context (NP_065816.2, residues 1912-1932): LAVSHEKGKI[Thr1922=]VLQLSALLKQ

ClinVar aggregate classification (germline): Likely benign. Review status: criteria provided, multiple submitters, no conflicts (2 of 4 stars). 3 submissions from 3 submitters: Likely benign (2). 1 of the submissions does not count toward it. Last evaluated 2018-12-14.

Conditions:
UBR4-related disorder. Also called: UBR4-related condition.

Allele frequency attached by ClinVar (database versions not stated): ExAC 0.00005; gnomAD exomes 0.00005 and 0.00019; TOPMed 0.00006; gnomAD 0.00007 and 0.00008.
gnomAD v4.1: 287 of 1,613,170 alleles (0.018%); highest among the groups gnomAD compares: Non-Finnish European, 0.023%; no homozygotes.

Submissions (3):

Labcorp Genetics (formerly Invitae), Labcorp
Classification: Likely benign. Last evaluated: 2018-12-14. Review status: criteria provided, single submitter. Criteria: Invitae Variant Classification Sherloc (09022015). Collection method: clinical testing. Allele origin: germline.

Breakthrough Genomics
Classification: Likely benign. Review status: criteria provided, single submitter. Criteria: ACMG Guidelines, 2015. Collection method: not provided. Allele origin: germline. Inheritance: Unknown mechanism. Affected: yes.

PreventionGenetics, part of Exact Sciences
Classification: Likely benign for UBR4-related condition. Last evaluated: 2019-06-12. Review status: no assertion criteria provided. Collection method: clinical testing. Allele origin: germline. Not counted in ClinVar's aggregate classification.
Comment: This variant is classified as likely benign based on ACMG/AMP sequence variant interpretation guidelines (Richards et al. 2015 PMID: 25741868, with internal and published modifications).